The following is an entry in ClinVar:

ClinVar aggregate classification (germline): Uncertain significance. Review status: criteria provided, multiple submitters, no conflicts (2 of 4 stars). 2 submissions from 2 submitters: Uncertain significance (2). Last evaluated 2023-12-21.

Conditions:
Van Maldergem syndrome 2 (VMLDS2). Identifiers: Orphanet 314679, MedGen C3809875, MONDO:0014242, OMIM 615546.

Allele frequency attached by ClinVar (database versions not stated): ExAC 0.00001; TOPMed 0.00001; gnomAD exomes 0.00002.
gnomAD v4.1: 26 of 1,614,004 alleles (0.0016%); highest among the groups gnomAD compares: East Asian, 0.0045%; no homozygotes.

Submissions (2):

Victorian Clinical Genetics Services, Murdoch Childrens Research Institute
Classification: Uncertain significance for Van Maldergem syndrome 2. Last evaluated: 2023-12-21. Review status: criteria provided, single submitter. Criteria: ACMG Guidelines, 2015. Collection method: clinical testing. Allele origin: germline. Inheritance: Autosomal recessive inheritance. Affected: yes.
Comment: Based on the classification scheme VCGS_Germline_v1.3.4, this variant is classified as VUS-3B. Following criteria are met: 0102 - Loss of function is a known mechanism of disease in this gene and is associated with Hennekam lymphangiectasia-lymphedema syndrome 2 (MIM#616006), and Van Maldergem syndrome 2 (MIM#615546). (I) 0106 - This gene is associated with autosomal recessive disease. (I) 0200 - Variant is predicted to result in a missense amino acid change from arginine to glutamine. (I) 0251 - This variant is heterozygous. (I) 0304 - Variant is present in gnomAD (v2) <0.01 for a recessive condition (5 heterozygotes, 0 homozygotes). (SP) 0309 - An alternative amino acid change at the same position has been observed in gnomAD (v2) (1 heterozygote, 0 homozygotes). (I) 0502 - Missense variant with conflicting in silico predictions and uninformative conservation. (I) 0600 - Variant is located in the annotated cadherin repeat domain (DECIPHER). (I) 0705 - No comparable missense variants have previous evidence for pathogenicity. (I) 0809 - Previous evidence of pathogenicity for this variant is inconclusive. This variant has been reported as a VUS (ClinVar). (I) 0905 - No published segregation evidence has been identified for this variant. (I) 1007 - No published functional evidence has been identified for this variant. (I) Legend: (SP) - Supporting pathogenic, (I) - Information, (SB) - Supporting benign

Labcorp Genetics (formerly Invitae), Labcorp
Classification: Uncertain significance. Last evaluated: 2021-08-28. Review status: criteria provided, single submitter. Criteria: Invitae Variant Classification Sherloc (09022015). Collection method: clinical testing. Allele origin: germline.

NM_001291303.3(FAT4):c.10031G>A (p.Arg3344Gln)

Gene: FAT4 (FAT atypical cadherin 4; plus strand). Cytogenetic location: 4q28.1.
Variant type: single nucleotide variant.
Coding change: c.10031G>A on transcript NM_001291303.3 (MANE Select); coding-DNA position 10031, G replaced by A.
Protein change: p.Arg3344Gln; replaces arginine 3344 with glutamine.
Molecular consequence: missense variant.
Genome position (GRCh38, 1-based): chr4:125,451,041, G>A. VCF-style: chr4-125451041-G-A. GRCh37 (hg19) VCF-style: chr4-126372196-G-A.
Other names: c.10031G>A, p.Arg3344Gln (NM_001291285.3); c.10025G>A, p.Arg3342Gln (NM_024582.6); c.10031G>A (NM_001291303.1); short protein forms R3342Q, R3344Q.
Identifiers: ClinVar variation 1369129 (VCV001369129.4), dbSNP rs769028469, ClinGen allele CA3073624.